The following is an entry in ClinVar:

NM_000051.4(ATM):c.7942C>A (p.Pro2648Thr)

Genes: ATM (ATM serine/threonine kinase; plus strand), C11orf65 (chromosome 11 open reading frame 65; minus strand). Cytogenetic location: 11q22.3.
Variant type: single nucleotide variant.
Coding change: c.7942C>A on transcript NM_000051.4 (MANE Select); coding-DNA position 7942, C replaced by A.
Protein change: p.Pro2648Thr; replaces proline 2648 with threonine.
Molecular consequence: missense variant. On other transcripts: intron variant (2).
Genome position (GRCh38, 1-based): chr11:108,333,900, C>A. VCF-style: chr11-108333900-C-A. GRCh37 (hg19) VCF-style: chr11-108204627-C-A.
Other names: c.7942C>A, p.Pro2648Thr (NM_001351834.2); c.641-24829G>T (NM_001330368.2); c.*38+1320G>T (NM_001351110.2); short protein forms P2648T.
Identifiers: ClinVar variation 236781 (VCV000236781.13), dbSNP rs878853547, ClinGen allele CA10582858.
Genomic context (GRCh38, chr11:108,333,900, plus strand): 5'-GCTGTTCCTCAGTTTGTCACTAAAATCTCTTCATTTTTAAATACAGAAGGCATAAATATT[C>A]CAGCAGACCAGCCAATTACTAAACTTAAGAATTTAGAAGATGTTGTTGTCCCTACTATGG-3'
Protein context (NP_000042.3, residues 2638-2658): WKTQRKGINI[Pro2648Thr]ADQPITKLKN

ClinVar aggregate classification (germline): Uncertain significance. Review status: criteria provided, multiple submitters, no conflicts (2 of 4 stars). 3 submissions from 3 submitters: Uncertain significance (3). Last evaluated 2023-06-17.

Conditions:
Hereditary cancer-predisposing syndrome. Also called: Neoplastic Syndromes, Hereditary; Hereditary neoplastic syndrome; Tumor predisposition; Hereditary Cancer Syndrome. Identifiers: Orphanet 140162, MedGen C0027672, MeSH D009386, MONDO:0015356.
Ataxia-telangiectasia syndrome (AT). Also called: Ataxia telangiectasia (A-T); Cerebello-oculocutaneous telangiectasia; Immunodeficiency with ataxia telangiectasia; LOUIS-BAR SYNDROME; AT, COMPLEMENTATION GROUP C; ATAXIA-TELANGIECTASIA, FRESNO VARIANT. Identifiers: Orphanet 100, MedGen C0004135, MONDO:0008840, OMIM 208900.

Submissions (3):

Ambry Genetics
Classification: Uncertain significance for Hereditary cancer-predisposing syndrome. Last evaluated: 2023-06-17. Review status: criteria provided, single submitter. Criteria: Ambry Variant Classification Scheme 2023. Collection method: clinical testing. Allele origin: germline.
Comment: The p.P2648T variant (also known as c.7942C>A), located in coding exon 53 of the ATM gene, results from a C to A substitution at nucleotide position 7942. The proline at codon 2648 is replaced by threonine, an amino acid with highly similar properties. This amino acid position is conserved. In addition, the in silico prediction for this alteration is inconclusive. Since supporting evidence is limited at this time, the clinical significance of this alteration remains unclear.

Labcorp Genetics (formerly Invitae), Labcorp
Classification: Uncertain significance for Ataxia-telangiectasia syndrome. Last evaluated: 2019-07-19. Review status: criteria provided, single submitter. Criteria: Invitae Variant Classification Sherloc (09022015). Collection method: clinical testing. Allele origin: germline.
Comment: In summary, the available evidence is currently insufficient to determine the role of this variant in disease. Therefore, it has been classified as a Variant of Uncertain Significance. Algorithms developed to predict the effect of missense changes on protein structure and function are either unavailable or do not agree on the potential impact of this missense change (SIFT: "Tolerated"; PolyPhen-2: "Probably Damaging"; Align-GVGD: "Class C0"). This variant has not been reported in the literature in individuals with ATM-related conditions. ClinVar contains an entry for this variant (Variation ID: 236781). This variant is not present in population databases (ExAC no frequency). This sequence change replaces proline with threonine at codon 2648 of the ATM protein (p.Pro2648Thr). The proline residue is moderately conserved and there is a small physicochemical difference between proline and threonine.

Mendelics
Classification: Uncertain significance for Ataxia-telangiectasia syndrome. Last evaluated: 2018-07-02. Review status: criteria provided, single submitter. Criteria: Mendelics Assertion Criteria 2017. Collection method: clinical testing. Allele origin: unknown.